The following is an entry in ClinVar:

NM_152594.3(SPRED1):c.1053del (p.Lys351fs)

Gene: SPRED1 (sprouty related EVH1 domain containing 1; plus strand). Cytogenetic location: 15q14.
Variant type: Deletion.
Coding change: c.1053del on transcript NM_152594.3 (MANE Select); coding-DNA position 1053, one base deleted (A; older notation c.1053delA).
Protein change: p.Lys351fs; shifts the reading frame from lysine 351.
Molecular consequence: frameshift variant.
Genome position (GRCh38, 1-based): chr15:38,351,382, A deleted; the last of 4 consecutive A bases (chr15:38,351,379-38,351,382); deleting any one gives the same sequence. VCF-style (leftmost placement, unchanged base first): chr15-38351378-GA-G. GRCh37 (hg19) VCF-style: chr15-38643579-GA-G.
Other names: short protein forms K351fs.
Identifiers: ClinVar variation 581681 (VCV000581681.9), dbSNP rs1566876954, ClinGen allele CA891843556.

ClinVar aggregate classification (germline): Pathogenic (1 of 4 stars; one submission).

Conditions:
Legius syndrome. Identifiers: Orphanet 137605, MedGen C1969623, MONDO:0012669, OMIM 611431. Disease mechanism: loss of function.

Submission:

Labcorp Genetics (formerly Invitae), Labcorp
Classification: Pathogenic for Legius syndrome. Last evaluated: 2018-06-20. Review status: criteria provided, single submitter. Criteria: Invitae Variant Classification Sherloc (09022015). Collection method: clinical testing. Allele origin: germline.
Comment: A different truncation (p.Gly385Ilefs*20) that lies downstream of this variant has been determined to be pathogenic (PMID: 19920235, 19443465, 21089071, 17704776). This suggests that deletion of this region of the SPRED1 protein is causative of disease. For these reasons, this variant has been classified as Pathogenic. This variant has not been reported in the literature in individuals with SPRED1-related disease. This variant is not present in population databases (ExAC no frequency). This sequence change results in a premature translational stop signal in the SPRED1 gene (p.Lys351Asnfs*55). While this is not anticipated to result in nonsense mediated decay, it is expected to disrupt the last 94 amino acids of the SPRED1 protein.

Literature cited by the submitters: PubMed 19920235; PubMed 19443465; PubMed 21089071; PubMed 17704776.